The following is an entry in ClinVar:

ClinVar aggregate classification (germline): Uncertain significance (1 of 4 stars; one submission).

Conditions:
Myotonic dystrophy. Also called: Myotonia atrophica; DYSTROPHIA MYOTONICA. Identifiers: Orphanet 206647, MedGen C0027126, MONDO:0016107.

Allele frequency attached by ClinVar (database versions not stated): TOPMed below 0.00001; ExAC 0.00001; gnomAD exomes 0.00002.

Submission:

CSER _CC_NCGL, University of Washington
Classification: Uncertain significance for Myotonic dystrophy. Last evaluated: 2016-10-01. Review status: criteria provided, single submitter. Criteria: Amendola et al. (Genome Res. 2015). Collection method: research. Allele origin: germline. Affected: no. Study: CSER - NEXT Medicine variant annotation.
Comment: This interpretation considers GERP score and allele frequency data, in addition to published reports of the variant in the literature, available at the time of review.

NM_004409.5(DMPK):c.643G>A (p.Gly215Ser)

Gene: DMPK (DM1 protein kinase; minus strand). Cytogenetic location: 19q13.32.
Variant type: single nucleotide variant.
Coding change: c.643G>A on transcript NM_004409.5 (MANE Select); coding-DNA position 643, G replaced by A.
Protein change: p.Gly215Ser; replaces glycine 215 with serine.
Molecular consequence: missense variant.
Genome position (GRCh38, 1-based): chr19:45,778,159, C>T on the plus strand (G>A on the coding strand, the complement: DMPK is on the minus strand). VCF-style: chr19-45778159-C-T. GRCh37 (hg19) VCF-style: chr19-46281417-C-T.
Other names: c.643G>A, p.Gly215Ser (NM_001081560.3, NM_001081562.3, NM_001288766.2 and 5 more transcripts); c.673G>A, p.Gly225Ser (NM_001081563.3); c.721G>A, p.Gly241Ser (NM_001288764.2, NM_001424163.1); c.376G>A, p.Gly126Ser (NM_001288765.2); c.202G>A, p.Gly68Ser (NM_001424166.1); short protein forms G215S, G126S, G225S, G241S, G68S.
Identifiers: ClinVar variation 496654 (VCV000496654.1), dbSNP rs747348407, ClinGen allele CA9521419.
Genomic context (GRCh38, chr19:45,778,159, plus strand): 5'-TTGCTCTGTGGCCAGGGCACTGGCTCACCGTTCCATCTGCCCGCAGCTTGAGGCAAGAGC[C>T]GAAGTCGGCCAGGCGGATGTGGCCACAGCGGTCCAGCAGGATGTTGTCGGGTTTGATGTC-3'
Protein context (NP_004400.4, residues 205-225): RCGHIRLADF[Gly215Ser]SCLKLRADGT